The following is an entry in ClinVar:

NM_003998.4(NFKB1):c.836-16A>G

Gene: NFKB1 (nuclear factor kappa B subunit 1; plus strand). Cytogenetic location: 4q24.
Variant type: single nucleotide variant.
Coding change: c.836-16A>G on transcript NM_003998.4 (MANE Select); 16 bases into the intron before coding-DNA position 836, A replaced by G.
Molecular consequence: intron variant.
Genome position (GRCh38, 1-based): chr4:102,582,850, A>G. VCF-style: chr4-102582850-A-G. GRCh37 (hg19) VCF-style: chr4-103504007-A-G.
Other names: c.836-16A>G (NM_001382626.1, NM_001382625.1); c.833-16A>G (NM_001382627.1, NM_001165412.2, NM_001319226.2); c.794-16A>G (NM_001382628.1).
Identifiers: ClinVar variation 1900012 (VCV001900012.12), dbSNP rs369672383, ClinGen allele CA3026007.

ClinVar aggregate classification (germline): Benign/Likely benign. Review status: criteria provided, multiple submitters, no conflicts (2 of 4 stars). 3 submissions from 3 submitters: Benign (1); Likely benign (2). Last evaluated 2025-12-15.

Allele frequency attached by ClinVar (database versions not stated): TOPMed 0.00006; 1000 Genomes Project 30x 0.00016; 1000 Genomes Project 0.00020; ESP Exome Variant Server 0.00023; gnomAD 0.00023; ExAC 0.00027.
gnomAD v4.1: 253 of 1,555,798 alleles (0.016%); highest among the groups gnomAD compares: Middle Eastern, 0.017%; no homozygotes.

Submissions (3):

Labcorp Genetics (formerly Invitae), Labcorp
Classification: Benign. Last evaluated: 2025-12-15. Review status: criteria provided, single submitter. Criteria: Invitae Variant Classification Sherloc (09022015). Collection method: clinical testing. Allele origin: germline.

CeGaT Center for Human Genetics Tuebingen
Classification: Likely benign. Last evaluated: 2025-10-01. Review status: criteria provided, single submitter. Criteria: CeGaT Center For Human Genetics Tuebingen Variant Classification Criteria Version 2. Collection method: clinical testing. Allele origin: germline. Affected: yes. Observed: 1 variant allele.
Comment: NFKB1: BS2

Blueprint Genetics
Classification: Likely benign. Last evaluated: 2024-11-15. Review status: criteria provided, single submitter. Criteria: ACMG Guidelines, 2015. Collection method: clinical testing. Allele origin: germline.